The following is an entry in ClinVar:

NM_005612.5(REST):c.2254C>T (p.Pro752Ser)

Gene: REST (RE1 silencing transcription factor; plus strand). Cytogenetic location: 4q12.
Variant type: single nucleotide variant.
Coding change: c.2254C>T on transcript NM_005612.5 (MANE Select); coding-DNA position 2254, C replaced by T.
Protein change: p.Pro752Ser; replaces proline 752 with serine.
Molecular consequence: missense variant.
Genome position (GRCh38, 1-based): chr4:56,931,112, C>T. VCF-style: chr4-56931112-C-T. GRCh37 (hg19) VCF-style: chr4-57797278-C-T.
Other names: c.2254C>T, p.Pro752Ser (NM_001193508.2, NM_001363453.3); short protein forms P752S.
Identifiers: ClinVar variation 1695777 (VCV001695777.8), dbSNP rs267600197, ClinGen allele CA2932442.
Genomic context (GRCh38, chr4:56,931,112, plus strand): 5'-GAGCTGTCTCCTCCCATGGAGGTGGTCCAGAAGGAGCCTGTTCAGATAGAGCTGTCTCCT[C>T]CCATGGAGGTGGTCCAGAAGGAACCTGTTAAGATAGAGCTGTCTCCTCCCATAGAGGTGG-3'
Protein context (NP_005603.3, residues 742-762): KEPVQIELSP[Pro752Ser]MEVVQKEPVK

ClinVar aggregate classification (germline): Uncertain significance. Review status: criteria provided, multiple submitters, no conflicts (2 of 4 stars). 3 submissions from 3 submitters: Uncertain significance (3). Last evaluated 2025-10-23.

Conditions:
Inborn genetic diseases. Identifiers: MedGen C0950123, MeSH D030342.

Allele frequency attached by ClinVar (database versions not stated): ExAC 0.00002; gnomAD exomes 0.00002; gnomAD 0.00006 and 0.00007; TOPMed 0.00012; 1000 Genomes Project 30x 0.00031; 1000 Genomes Project 0.00040.
gnomAD v4.1: 34 of 1,598,756 alleles (0.0021%); highest among the groups gnomAD compares: African/African-American, 0.028%; no homozygotes.

Submissions (3):

Ambry Genetics
Classification: Uncertain significance for Inborn genetic diseases. Last evaluated: 2025-10-23. Review status: criteria provided, single submitter. Criteria: Ambry Variant Classification Scheme 2023. Collection method: clinical testing. Allele origin: germline.

Labcorp Genetics (formerly Invitae), Labcorp
Classification: Uncertain significance. Last evaluated: 2023-06-18. Review status: criteria provided, single submitter. Criteria: Invitae Variant Classification Sherloc (09022015). Collection method: clinical testing. Allele origin: germline.
Comment: ClinVar contains an entry for this variant (Variation ID: 1695777). In summary, the available evidence is currently insufficient to determine the role of this variant in disease. Therefore, it has been classified as a Variant of Uncertain Significance. Algorithms developed to predict the effect of missense changes on protein structure and function output the following: SIFT: "Not Available"; PolyPhen-2: "Benign"; Align-GVGD: "Not Available". The serine amino acid residue is found in multiple mammalian species, which suggests that this missense change does not adversely affect protein function. This variant has not been reported in the literature in individuals affected with REST-related conditions. This variant is present in population databases (rs267600197, gnomAD 0.03%). This sequence change replaces proline, which is neutral and non-polar, with serine, which is neutral and polar, at codon 752 of the REST protein (p.Pro752Ser).

GeneDx
Classification: Uncertain significance. Last evaluated: 2022-01-06. Review status: criteria provided, single submitter. Criteria: GeneDx Variant Classification Process June 2021. Collection method: clinical testing. Allele origin: germline. Affected: yes.
Comment: In silico analysis supports that this missense variant does not alter protein structure/function; Has not been previously published as pathogenic or benign to our knowledge; Variants in candidate genes are classified as variants of uncertain significance in accordance with ACMG guidelines (Richards 2015)